The following is an entry in ClinVar:

ClinVar aggregate classification (germline): Benign/Likely benign. Review status: criteria provided, multiple submitters, no conflicts (2 of 4 stars). 6 submissions from 3 submitters: Benign (5); Likely benign (1). Last evaluated 2025-12-08.

Conditions:
Dilated cardiomyopathy 1G (CMD1G). Identifiers: Orphanet 154, MedGen C1858763, MONDO:0011400, OMIM 604145.
Autosomal recessive limb-girdle muscular dystrophy type 2J (LGMDR10). Also called: Limb-girdle muscular dystrophy, type 2J; MUSCULAR DYSTROPHY, LIMB-GIRDLE, AUTOSOMAL RECESSIVE 10. Identifiers: Orphanet 140922, MedGen C1837342, MONDO:0012127, OMIM 608807.
Early-onset myopathy with fatal cardiomyopathy (CMYO5). Also called: Salih Myopathy; CONGENITAL MYOPATHY 5 WITH CARDIOMYOPATHY. Identifiers: Orphanet 289377, MedGen C2673677, MONDO:0012714, OMIM 611705. Disease mechanism: loss of function.
Myopathy, myofibrillar, 9, with early respiratory failure (MFM9). Also called: Hereditary myopathy with early respiratory failure; MYOPATHY, PROXIMAL, WITH EARLY RESPIRATORY MUSCLE INVOLVEMENT; Myopathy, distal, with early respiratory failure, autosomal dominant; EDSTROM MYOPATHY. Identifiers: Orphanet 178464, Orphanet 34521, MedGen C1863599, MONDO:0011362, OMIM 603689.
Tibial muscular dystrophy (TMD). Also called: UDD MYOPATHY; Tibial muscular dystrophy, tardive; Udd Distal Myopathy – Tibial Muscular Dystrophy. Identifiers: Orphanet 609, MedGen C1838244, MONDO:0010870, OMIM 600334.

Allele frequency attached by ClinVar (database versions not stated): gnomAD exomes 0.00001; gnomAD 0.00001; TOPMed 0.00002.
gnomAD v4.1: 18 of 1,551,230 alleles (0.0012%); highest among the groups gnomAD compares: East Asian, 0.0049%; no homozygotes.

Submissions (6):

Labcorp Genetics (formerly Invitae), Labcorp
Classification: Likely benign for Dilated cardiomyopathy 1G; Autosomal recessive limb-girdle muscular dystrophy type 2J. Last evaluated: 2025-12-08. Review status: criteria provided, single submitter. Criteria: Invitae Variant Classification Sherloc (09022015). Collection method: clinical testing. Allele origin: germline.

Genome-Nilou Lab
Classification: Benign for Autosomal recessive limb-girdle muscular dystrophy type 2J. Last evaluated: 2021-09-10. Review status: criteria provided, single submitter. Criteria: ACMG Guidelines, 2015. Collection method: clinical testing. Allele origin: germline. Affected: no.

Genome-Nilou Lab
Classification: Benign for Myopathy, myofibrillar, 9, with early respiratory failure. Last evaluated: 2021-09-10. Review status: criteria provided, single submitter. Criteria: ACMG Guidelines, 2015. Collection method: clinical testing. Allele origin: germline. Affected: no.

Genome-Nilou Lab
Classification: Benign for Early-onset myopathy with fatal cardiomyopathy. Last evaluated: 2021-09-10. Review status: criteria provided, single submitter. Criteria: ACMG Guidelines, 2015. Collection method: clinical testing. Allele origin: germline. Affected: no.

Genome-Nilou Lab
Classification: Benign for Tibial muscular dystrophy. Last evaluated: 2021-09-10. Review status: criteria provided, single submitter. Criteria: ACMG Guidelines, 2015. Collection method: clinical testing. Allele origin: germline. Affected: no.

GeneDx
Classification: Benign. Last evaluated: 2013-08-12. Review status: criteria provided, single submitter. Criteria: GeneDx Variant Classification (06012015). Collection method: clinical testing. Allele origin: germline. Affected: yes.
Comment: This variant is considered likely benign or benign based on one or more of the following criteria: it is a conservative change, it occurs at a poorly conserved position in the protein, it is predicted to be benign by multiple in silico algorithms, and/or has population frequency not consistent with disease.

NM_001267550.2(TTN):c.30966C>T (p.Asp10322=)

Gene: TTN (titin; minus strand). Cytogenetic location: 2q31.2.
Variant type: single nucleotide variant.
Coding change: c.30966C>T on transcript NM_001267550.2 (MANE Select); coding-DNA position 30966, C replaced by T.
Protein change: p.Asp10322=; no amino-acid change (aspartic acid 10322 retained).
Molecular consequence: synonymous variant. On other transcripts: intron variant (3).
Genome position (GRCh38, 1-based): chr2:178,696,106, G>A on the plus strand (C>T on the coding strand, the complement: TTN is on the minus strand). VCF-style: chr2-178696106-G-A. GRCh37 (hg19) VCF-style: chr2-179560833-G-A.
Other names: p.D10005D:GAC>GAT; c.27234C>T, p.Asp9078= (NM_133378.4); c.13282+41976C>T (NM_003319.4); c.13858+41976C>T (NM_133437.4); c.13657+41976C>T (NM_133432.3); c.30015C>T, p.Asp10005= (NM_001256850.1).
Identifiers: ClinVar variation 137780 (VCV000137780.13), dbSNP rs587780979, ClinGen allele CA291440.